The following is an entry in ClinVar:

ClinVar aggregate classification (germline): Uncertain significance (1 of 4 stars; one submission).

Submission:

Labcorp Genetics (formerly Invitae), Labcorp
Classification: Uncertain significance. Last evaluated: 2022-02-03. Review status: criteria provided, single submitter. Criteria: Invitae Variant Classification Sherloc (09022015). Collection method: clinical testing. Allele origin: germline.
Comment: In summary, the available evidence is currently insufficient to determine the role of this variant in disease. Therefore, it has been classified as a Variant of Uncertain Significance. Algorithms developed to predict the effect of missense changes on protein structure and function are either unavailable or do not agree on the potential impact of this missense change (SIFT: "Tolerated"; PolyPhen-2: "Probably Damaging"; Align-GVGD: "Class C0"). This variant has not been reported in the literature in individuals affected with CANT1-related conditions. This variant is not present in population databases (gnomAD no frequency). This sequence change replaces methionine, which is neutral and non-polar, with isoleucine, which is neutral and non-polar, at codon 31 of the CANT1 protein (p.Met31Ile).

NM_001159773.2(CANT1):c.93G>T (p.Met31Ile)

Gene: CANT1 (calcium activated nucleotidase 1; minus strand). Cytogenetic location: 17q25.3.
Variant type: single nucleotide variant.
Coding change: c.93G>T on transcript NM_001159773.2 (MANE Select); coding-DNA position 93, G replaced by T.
Protein change: p.Met31Ile; replaces methionine 31 with isoleucine.
Molecular consequence: missense variant.
Genome position (GRCh38, 1-based): chr17:78,997,530, C>A on the plus strand (G>T on the coding strand, the complement: CANT1 is on the minus strand). VCF-style: chr17-78997530-C-A. GRCh37 (hg19) VCF-style: chr17-76993612-C-A.
Other names: c.93G>T, p.Met31Ile (NM_001159772.2, NM_138793.4); short protein forms M31I.
Identifiers: ClinVar variation 2092362 (VCV002092362.4), dbSNP rs767188166, ClinGen allele CA401309339.